The following is an entry in ClinVar:

ClinVar aggregate classification (germline): Uncertain significance. Review status: criteria provided, multiple submitters, no conflicts (2 of 4 stars). 2 submissions from 2 submitters: Uncertain significance (2). Last evaluated 2024-10-17.

Allele frequency attached by ClinVar (database versions not stated): ExAC 0.00007; gnomAD 0.00008; gnomAD exomes 0.00008 and 0.00013; TOPMed 0.00011.
gnomAD v4.1: 125 of 1,555,118 alleles (0.008%); highest among the groups gnomAD compares: Admixed American, 0.018%; no homozygotes.

Submissions (2):

Blueprint Genetics
Classification: Uncertain significance. Last evaluated: 2024-10-17. Review status: criteria provided, single submitter. Criteria: ACMG Guidelines, 2015. Collection method: clinical testing. Allele origin: germline.

Labcorp Genetics (formerly Invitae), Labcorp
Classification: Uncertain significance. Last evaluated: 2022-10-24. Review status: criteria provided, single submitter. Criteria: Invitae Variant Classification Sherloc (09022015). Collection method: clinical testing. Allele origin: germline.
Comment: This sequence change replaces valine, which is neutral and non-polar, with isoleucine, which is neutral and non-polar, at codon 479 of the SAMD11 protein (p.Val479Ile). This variant is present in population databases (rs745968834, gnomAD 0.09%). This variant has not been reported in the literature in individuals affected with SAMD11-related conditions. ClinVar contains an entry for this variant (Variation ID: 955365). Algorithms developed to predict the effect of missense changes on protein structure and function are either unavailable or do not agree on the potential impact of this missense change (SIFT: "Deleterious"; PolyPhen-2: "Benign"; Align-GVGD: "Class C0"). In summary, the available evidence is currently insufficient to determine the role of this variant in disease. Therefore, it has been classified as a Variant of Uncertain Significance.

NM_001385641.1(SAMD11):c.1924G>A (p.Val642Ile)

Gene: SAMD11 (sterile alpha motif domain containing 11; plus strand). Cytogenetic location: 1p36.33.
Variant type: single nucleotide variant.
Coding change: c.1924G>A on transcript NM_001385641.1 (MANE Select); coding-DNA position 1924, G replaced by A.
Protein change: p.Val642Ile; replaces valine 642 with isoleucine.
Molecular consequence: missense variant.
Genome position (GRCh38, 1-based): chr1:942,929, G>A. VCF-style: chr1-942929-G-A. GRCh37 (hg19) VCF-style: chr1-878309-G-A.
Other names: c.1927G>A, p.Val643Ile (NM_001385640.1); c.1435G>A, p.Val479Ile (NM_152486.4); short protein forms V479I, V642I, V643I.
Identifiers: ClinVar variation 955365 (VCV000955365.6), dbSNP rs745968834, ClinGen allele CA503022.